The following is an entry in ClinVar:

NM_000051.4(ATM):c.3403-5_3403-4del

Gene: ATM (ATM serine/threonine kinase; plus strand). Cytogenetic location: 11q22.3.
Variant type: Deletion.
Coding change: c.3403-5_3403-4del on transcript NM_000051.4 (MANE Select); 5 bases into the intron before coding-DNA position 3403 through 4 bases into the intron before coding-DNA position 3403, 2 bases deleted (TT; older notation c.3403-5_3403-4delTT).
Molecular consequence: intron variant.
Genome position (GRCh38, 1-based): chr11:108,280,990-108,280,991, TT deleted; deleting any 2 consecutive bases within chr11:108,280,987-108,280,991 gives the same sequence; the c. name uses the placement nearest the transcript's 3' end. VCF-style (leftmost placement, unchanged base first): chr11-108280986-CTT-C. GRCh37 (hg19) VCF-style: chr11-108151713-CTT-C.
Other names: c.3403-5_3403-4del (NM_001351834.2).
Identifiers: ClinVar variation 2693091 (VCV002693091.3), dbSNP rs2546868971, ClinGen allele CA2697558840.

ClinVar aggregate classification (germline): Uncertain significance (1 of 4 stars; one submission).

Conditions:
Ataxia-telangiectasia syndrome (AT). Also called: AT, COMPLEMENTATION GROUP C; Ataxia telangiectasia (A-T); Cerebello-oculocutaneous telangiectasia; Immunodeficiency with ataxia telangiectasia; LOUIS-BAR SYNDROME; ATAXIA-TELANGIECTASIA, COMPLEMENTATION GROUP A. Identifiers: Orphanet 100, MedGen C0004135, MONDO:0008840, OMIM 208900.

Submission:

Labcorp Genetics (formerly Invitae), Labcorp
Classification: Uncertain significance for Ataxia-telangiectasia syndrome. Last evaluated: 2023-11-04. Review status: criteria provided, single submitter. Criteria: Invitae Variant Classification Sherloc (09022015). Collection method: clinical testing. Allele origin: germline.
Comment: This sequence change falls in intron 23 of the ATM gene. It does not directly change the encoded amino acid sequence of the ATM protein. This variant is not present in population databases (gnomAD no frequency). This variant has not been reported in the literature in individuals affected with ATM-related conditions. Algorithms developed to predict the effect of sequence changes on RNA splicing suggest that this variant may disrupt the consensus splice site. In summary, the available evidence is currently insufficient to determine the role of this variant in disease. Therefore, it has been classified as a Variant of Uncertain Significance.